The following is an entry in ClinVar:

ClinVar aggregate classification (germline): Conflicting classifications of pathogenicity. Review status: criteria provided, conflicting classifications (1 of 4 stars). 4 submissions from 4 submitters: Uncertain significance (1); Benign (1); Likely benign (1). 1 of the submissions does not count toward it. Last evaluated 2026-02-24.

Conditions:
IFIH1-related disorder. Also called: IFIH1-related condition.
Inborn genetic diseases. Identifiers: MedGen C0950123, MeSH D030342.
Singleton-Merten syndrome 1 (SGMRT1). Also called: Widened medullary cavities of bone, aortic calcification, abnormal dentition, and muscular weakness; Syndrome of widened medullary cavities of the metacarpals and phalanges, aortic calcification and abnormal dentition. Identifiers: Orphanet 85191, MedGen C4225427, MONDO:0024535, OMIM 182250.
Aicardi-Goutieres syndrome 7 (AGS7). Identifiers: Orphanet 51, MedGen C3888244, MONDO:0014367, OMIM 615846.

Allele frequency attached by ClinVar (database versions not stated): gnomAD 0.00002 and 0.00031; ExAC 0.00003; gnomAD exomes 0.00004 and 0.00008; TOPMed 0.00043.
gnomAD v4.1: 151 of 1,611,052 alleles (0.0094%); highest among the groups gnomAD compares: Non-Finnish European, 0.0088%; 1 homozygote.

Submissions (4):

Women's Health and Genetics/Laboratory Corporation of America, LabCorp
Classification: Likely benign. Last evaluated: 2026-02-24. Review status: criteria provided, single submitter. Criteria: LabCorp Variant Classification Summary - May 2015. Collection method: clinical testing. Allele origin: germline.
Comment: Variant summary: IFIH1 c.2392A>G (p.Ile798Val) results in a conservative amino acid change in the encoded protein sequence. Algorithms developed to predict the effect of missense changes on protein structure and function are either unavailable or do not agree on the potential impact of this missense change. The variant allele was found at a frequency of 9.4e-05 in 1611052 control chromosomes in the gnomAD database, including 1 homozygote. The observed variant frequency exceeds the estimated maximal expected allele frequency for disease-causing variants in IFIH1. To our knowledge, no occurrence of c.2392A>G in individuals affected with IFIH1-related conditions and no experimental evidence demonstrating its impact on protein function have been reported. ClinVar contains an entry for this variant (Variation ID: 861040). Based on the evidence outlined above, the variant was classified as likely benign.

Labcorp Genetics (formerly Invitae), Labcorp
Classification: Benign for Aicardi-Goutieres syndrome 7; Singleton-Merten syndrome 1. Last evaluated: 2026-02-01. Review status: criteria provided, single submitter. Criteria: Invitae Variant Classification Sherloc (09022015). Collection method: clinical testing. Allele origin: germline.

Ambry Genetics
Classification: Uncertain significance for Inborn genetic diseases. Last evaluated: 2024-12-16. Review status: criteria provided, single submitter. Criteria: Ambry Variant Classification Scheme 2023. Collection method: clinical testing. Allele origin: germline.

PreventionGenetics, part of Exact Sciences
Classification: Uncertain significance for IFIH1-related condition. Last evaluated: 2024-06-18. Review status: no assertion criteria provided. Collection method: clinical testing. Allele origin: germline. Not counted in ClinVar's aggregate classification.
Comment: The IFIH1 c.2392A>G variant is predicted to result in the amino acid substitution p.Ile798Val. To our knowledge, this variant has not been reported in the literature. This variant is reported in 0.0079% of alleles in individuals of European (Non-Finnish) descent in gnomAD. At this time, the clinical significance of this variant is uncertain due to the absence of conclusive functional and genetic evidence.

NM_022168.4(IFIH1):c.2392A>G (p.Ile798Val)

Gene: IFIH1 (interferon induced with helicase C domain 1; minus strand). Cytogenetic location: 2q24.2.
Variant type: single nucleotide variant.
Coding change: c.2392A>G on transcript NM_022168.4 (MANE Select); coding-DNA position 2392, A replaced by G.
Protein change: p.Ile798Val; replaces isoleucine 798 with valine.
Molecular consequence: missense variant.
Genome position (GRCh38, 1-based): chr2:162,273,857, T>C on the plus strand (A>G on the coding strand, the complement: IFIH1 is on the minus strand). VCF-style: chr2-162273857-T-C. GRCh37 (hg19) VCF-style: chr2-163130367-T-C.
Other names: c.2392A>G (NM_022168.2); short protein forms I798V.
Identifiers: ClinVar variation 861040 (VCV000861040.10), dbSNP rs758387388, ClinGen allele CA1934207.